The following is an entry in ClinVar:

NM_182916.3(TRNT1):c.550G>A (p.Val184Ile)

Gene: TRNT1 (tRNA nucleotidyl transferase 1; plus strand). Cytogenetic location: 3p26.2.
Variant type: single nucleotide variant.
Coding change: c.550G>A on transcript NM_182916.3 (MANE Select); coding-DNA position 550, G replaced by A.
Protein change: p.Val184Ile; replaces valine 184 with isoleucine.
Molecular consequence: missense variant. On other transcripts: non-coding transcript variant (8).
Genome position (GRCh38, 1-based): chr3:3,144,652, G>A. VCF-style: chr3-3144652-G-A. GRCh37 (hg19) VCF-style: chr3-3186336-G-A.
Other names: c.550G>A, p.Val184Ile (NM_001302946.2, NM_001367321.1, NM_001367322.1 and 1 more transcripts); short protein forms V184I.
Identifiers: ClinVar variation 858296 (VCV000858296.6), dbSNP rs1705871121, ClinGen allele CA351445196.
Genomic context (GRCh38, chr3:3,144,652, plus strand): 5'-GGCACTTTATTTGACTACTTTAATGGTTATGAAGATTTAAAAAATAAGAAAGTTAGATTT[G>A]TTGGACATGCTAAACAGAGAATACAAGAGGATTATCTTAGAATTTTAAGATACTTCAGGT-3'
Protein context (NP_886552.3, residues 174-194): EDLKNKKVRF[Val184Ile]GHAKQRIQED

ClinVar aggregate classification (germline): Uncertain significance (1 of 4 stars; one submission).

Conditions:
Congenital sideroblastic anemia-B-cell immunodeficiency-periodic fever-developmental delay syndrome. Also called: Sideroblastic anemia with B-cell immunodeficiency, periodic fevers, and developmental delay. Identifiers: Orphanet 369861, MedGen C4015172, MONDO:0014487, OMIM 616084.

Submission:

Labcorp Genetics (formerly Invitae), Labcorp
Classification: Uncertain significance for Congenital sideroblastic anemia-B-cell immunodeficiency-periodic fever-developmental delay syndrome. Last evaluated: 2025-01-13. Review status: criteria provided, single submitter. Criteria: Invitae Variant Classification Sherloc (09022015). Collection method: clinical testing. Allele origin: germline.
Comment: This sequence change replaces valine, which is neutral and non-polar, with isoleucine, which is neutral and non-polar, at codon 184 of the TRNT1 protein (p.Val184Ile). This variant is not present in population databases (gnomAD no frequency). This variant has not been reported in the literature in individuals affected with TRNT1-related conditions. ClinVar contains an entry for this variant (Variation ID: 858296). Invitae Evidence Modeling of protein sequence and biophysical properties (such as structural, functional, and spatial information, amino acid conservation, physicochemical variation, residue mobility, and thermodynamic stability) indicates that this missense variant is not expected to disrupt TRNT1 protein function with a negative predictive value of 80%. In summary, the available evidence is currently insufficient to determine the role of this variant in disease. Therefore, it has been classified as a Variant of Uncertain Significance.